The following is an entry in ClinVar:

ClinVar aggregate classification (germline): Benign/Likely benign. Review status: criteria provided, multiple submitters, no conflicts (2 of 4 stars). 8 submissions from 8 submitters: Benign (2); Likely benign (6). Last evaluated 2025-12-08.

Conditions:
Tuberous sclerosis syndrome (TSC). Also called: Tuberous Sclerosis Complex; Tuberous sclerosis. Identifiers: Orphanet 805, MedGen C0041341, MONDO:0001734.
Tuberous sclerosis 2 (TSC2). Identifiers: Orphanet 805, MedGen C1860707, MONDO:0013199, OMIM 613254.
Hereditary cancer-predisposing syndrome. Also called: Neoplastic Syndromes, Hereditary; Hereditary Cancer Syndrome; Tumor predisposition; Hereditary neoplastic syndrome. Identifiers: Orphanet 140162, MedGen C0027672, MeSH D009386, MONDO:0015356.

Allele frequency attached by ClinVar (database versions not stated): gnomAD 0.00001; TOPMed 0.00001; gnomAD exomes 0.00002; ExAC 0.00007.
gnomAD v4.1: 17 of 1,593,462 alleles (0.0011%); highest among the groups gnomAD compares: Middle Eastern, 0.017%; no homozygotes.

Submissions (8):

Labcorp Genetics (formerly Invitae), Labcorp
Classification: Likely benign for Tuberous sclerosis 2. Last evaluated: 2025-12-08. Review status: criteria provided, single submitter. Criteria: Invitae Variant Classification Sherloc (09022015). Collection method: clinical testing. Allele origin: germline.

CeGaT Center for Human Genetics Tuebingen
Classification: Likely benign. Last evaluated: 2025-09-01. Review status: criteria provided, single submitter. Criteria: CeGaT Center For Human Genetics Tuebingen Variant Classification Criteria Version 2. Collection method: clinical testing. Allele origin: germline. Affected: yes. Observed: 1 variant allele.
Comment: TSC2: BP4, BP7

Myriad Genetics, Inc.
Classification: Benign for Tuberous sclerosis 2. Last evaluated: 2025-05-12. Review status: criteria provided, single submitter. Criteria: Myriad Autosomal Dominant, Autosomal Recessive and X-Linked Classification Criteria (2023). Collection method: clinical testing. Allele origin: unknown.
Comment: This variant is considered benign. This variant is a silent/synonymous amino acid change and it is not expected to impact splicing.

All of Us Research Program, National Institutes of Health
Classification: Likely benign for Tuberous sclerosis syndrome. Last evaluated: 2023-12-01. Review status: criteria provided, single submitter. Criteria: ACMG Guidelines, 2015. Collection method: clinical testing. Allele origin: germline. Inheritance: Autosomal dominant inheritance. Observed: 2 variant alleles, 2 heterozygotes.
Comment: This study involves interpretation of variants in research participants for the purpose of population health screening. Participant phenotype was not available at the time of variant classification. Additional details can be found in publication PMID: 35346344, PMCID: PMC8962531

Color Diagnostics, LLC DBA Color Health
Classification: Likely benign for Tuberous sclerosis syndrome. Last evaluated: 2022-09-14. Review status: criteria provided, single submitter. Criteria: ACMG Guidelines, 2015. Collection method: clinical testing. Allele origin: germline.

Genome-Nilou Lab
Classification: Benign for Tuberous sclerosis 2. Last evaluated: 2021-11-07. Review status: criteria provided, single submitter. Criteria: ACMG Guidelines, 2015. Collection method: clinical testing. Allele origin: germline. Affected: no.

Ambry Genetics
Classification: Likely benign for Hereditary cancer-predisposing syndrome. Last evaluated: 2019-10-23. Review status: criteria provided, single submitter. Criteria: Ambry Variant Classification Scheme 2023. Collection method: clinical testing. Allele origin: germline.

GeneDx
Classification: Likely benign. Last evaluated: 2017-08-14. Review status: criteria provided, single submitter. Criteria: GeneDx Variant Classification (06012015). Collection method: clinical testing. Allele origin: germline. Affected: yes.
Comment: This variant is considered likely benign or benign based on one or more of the following criteria: it is a conservative change, it occurs at a poorly conserved position in the protein, it is predicted to be benign by multiple in silico algorithms, and/or has population frequency not consistent with disease.

NM_000548.5(TSC2):c.885C>T (p.Ala295=)

Gene: TSC2 (TSC complex subunit 2; plus strand). Cytogenetic location: 16p13.3.
Variant type: single nucleotide variant.
Coding change: c.885C>T on transcript NM_000548.5 (MANE Select); coding-DNA position 885, C replaced by T.
Protein change: p.Ala295=; no amino-acid change (alanine 295 retained).
Molecular consequence: synonymous variant.
Genome position (GRCh38, 1-based): chr16:2,058,783, C>T. VCF-style: chr16-2058783-C-T. GRCh37 (hg19) VCF-style: chr16-2108784-C-T.
Other names: c.885C>T, p.Ala295= (NM_001077183.3, NM_001114382.3, NM_001363528.2 and 3 more transcripts); c.774C>T, p.Ala258= (NM_001318827.2); c.738C>T, p.Ala246= (NM_001318829.2); c.285C>T, p.Ala95= (NM_001318831.2); c.918C>T, p.Ala306= (NM_001318832.2).
Identifiers: ClinVar variation 511557 (VCV000511557.28), dbSNP rs778296481, ClinGen allele CA056646.